The following is an entry in ClinVar:

NM_000492.4(CFTR):c.869+8G>T

Gene: CFTR (CF transmembrane conductance regulator; plus strand). Cytogenetic location: 7q31.2.
Variant type: single nucleotide variant.
Coding change: c.869+8G>T on transcript NM_000492.4 (MANE Select); 8 bases into the intron after coding-DNA position 869, G replaced by T.
Molecular consequence: intron variant.
Genome position (GRCh38, 1-based): chr7:117,536,681, G>T. VCF-style: chr7-117536681-G-T. GRCh37 (hg19) VCF-style: chr7-117176735-G-T.
Identifiers: ClinVar variation 632750 (VCV000632750.18), dbSNP rs773933167, ClinGen allele CA4450846.

ClinVar aggregate classification (germline): Conflicting classifications of pathogenicity. Review status: criteria provided, conflicting classifications (1 of 4 stars). 5 submissions from 5 submitters: Uncertain significance (1); Likely benign (3). 1 of the submissions does not count toward it. Last evaluated 2025-04-22.

Conditions:
Cystic fibrosis (CF). Also called: MUCOVISCIDOSIS. Identifiers: Orphanet 586, MedGen C0010674, MONDO:0009061, OMIM 219700. Disease mechanism: loss of function.

Allele frequency attached by ClinVar (database versions not stated): TOPMed 0.00002; gnomAD exomes 0.00001; ExAC 0.00002; gnomAD 0.00002.
gnomAD v4.1: 5 of 1,607,548 alleles (0.00031%); highest among the groups gnomAD compares: African/African-American, 0.004%; no homozygotes.

Submissions (5):

Women's Health and Genetics/Laboratory Corporation of America, LabCorp
Classification: Likely benign. Last evaluated: 2025-04-22. Review status: criteria provided, single submitter. Criteria: LabCorp Variant Classification Summary - May 2015. Collection method: clinical testing. Allele origin: germline.
Comment: Variant summary: CFTR c.869+8G>T alters a nucleotide located at a position not widely known to affect splicing. Consensus agreement among computation tools predict no significant impact on normal splicing. However, these predictions have yet to be confirmed by functional studies. The variant allele was found at a frequency of 1.2e-05 in 250784 control chromosomes. The available data on variant occurrences in the general population are insufficient to allow any conclusion about variant significance. The c.869+8G>T variant has been reported in the literature in compound heterozygosity with the pathogenic variant p.G542X in one hyper-trypsinogenemic infant who had no Cystic Fibrosis manifestations (Prach 2013). These report(s) do not provide unequivocal conclusions about association of the variant with Cystic Fibrosis. To our knowledge, no experimental evidence demonstrating an impact on protein function has been reported. The following publication have been ascertained in the context of this evaluation (PMID: 23810505). ClinVar contains an entry for this variant (Variation ID: 632750). Based on the evidence outlined above, the variant was classified as likely benign.

Labcorp Genetics (formerly Invitae), Labcorp
Classification: Likely benign for Cystic fibrosis. Last evaluated: 2025-03-15. Review status: criteria provided, single submitter. Criteria: Invitae Variant Classification Sherloc (09022015). Collection method: clinical testing. Allele origin: germline.

Ambry Genetics
Classification: Likely benign for Cystic fibrosis. Last evaluated: 2022-12-27. Review status: criteria provided, single submitter. Criteria: Ambry Variant Classification Scheme 2023. Collection method: clinical testing. Allele origin: germline.

Genome-Nilou Lab
Classification: Uncertain significance for Cystic fibrosis. Last evaluated: 2021-07-22. Review status: criteria provided, single submitter. Criteria: ACMG Guidelines, 2015. Collection method: clinical testing. Allele origin: germline. Affected: no.

Natera, Inc.
Classification: Uncertain significance for Cystic Fibrosis. Last evaluated: 2020-09-16. Review status: no assertion criteria provided. Collection method: clinical testing. Allele origin: germline. Not counted in ClinVar's aggregate classification.

Literature cited by the submitters: PubMed 23810505 (cited by Women's Health and Genetics/Laboratory Corporation of America, LabCorp).